The following is an entry in ClinVar:

NM_000535.7(PMS2):c.711_712del (p.Ser238fs)

Gene: PMS2 (PMS1 homolog 2, mismatch repair system component; minus strand). Cytogenetic location: 7p22.1.
Variant type: Deletion.
Coding change: c.711_712del on transcript NM_000535.7 (MANE Select); coding-DNA positions 711 to 712, 2 bases deleted (AA; older notation c.711_712delAA).
Protein change: p.Ser238fs; shifts the reading frame from serine 238.
Molecular consequence: frameshift variant. On other transcripts: 5 prime UTR variant (2), non-coding transcript variant (1), intron variant (3).
Genome position (GRCh38, 1-based): chr7:5,997,417-5,997,418, TT deleted on the plus strand (AA on the coding strand, the reverse complement: PMS2 is on the minus strand); deleting any 2 consecutive bases within chr7:5,997,417-5,997,419 gives the same sequence; the c. name uses the placement nearest the transcript's 3' end. VCF-style (leftmost placement, unchanged base first): chr7-5997416-CTT-C. GRCh37 (hg19) VCF-style: chr7-6037047-CTT-C.
Other names: c.402_403del, p.Ser135fs (NM_001406882.1, NM_001322015.2, NM_001406875.1 and 6 more transcripts); c.393_394del, p.Ser132fs (NM_001406883.1, NM_001406901.1, NM_001406902.1 and 4 more transcripts); c.543_544del, p.Ser182fs (NM_001406884.1, NM_001406874.1); c.375_376del, p.Ser126fs (NM_001406885.1); c.306_307del, p.Ser103fs (NM_001406887.1, NM_001406888.1, NM_001406889.1 and 19 more transcripts); c.198_199del, p.Ser67fs (NM_001406904.1, NM_001406905.1); c.138_139del, p.Ser47fs (NM_001406909.1, NM_001322013.2); c.711_712del, p.Ser238fs (NM_001322006.2, NM_001322014.2, NM_001406870.1 and 3 more transcripts); and 7 more; short protein forms S103fs, S126fs, S132fs, S135fs, S182fs, S202fs, S238fs, S246fs.
Identifiers: ClinVar variation 4876103 (VCV004876103.1).

ClinVar aggregate classification (germline): Pathogenic (1 of 4 stars; one submission).

Conditions:
Lynch syndrome 4 (LYNCH4). Also called: Colorectal cancer, hereditary nonpolyposis, type 4; Hereditary non-polyposis colorectal cancer, type 4. Identifiers: Orphanet 144, MedGen C1838333, MONDO:0013699, OMIM 614337. Disease mechanism: loss of function.

Submission:

Myriad Genetics, Inc.
Classification: Pathogenic for Lynch syndrome 4. Last evaluated: 2026-06-30. Review status: criteria provided, single submitter. Criteria: Myriad Autosomal Dominant, Autosomal Recessive and X-Linked Classification Criteria (2023). Collection method: clinical testing. Allele origin: unknown.
Comment: This variant is considered pathogenic. This variant creates a frameshift predicted to result in premature protein truncation.